The following is an entry in ClinVar:

NM_001267550.2(TTN):c.52223A>C (p.Lys17408Thr)

Genes: TTN-AS1 (TTN antisense RNA 1; plus strand), TTN (titin; minus strand). Cytogenetic location: 2q31.2.
Variant type: single nucleotide variant.
Coding change: c.52223A>C on transcript NM_001267550.2 (MANE Select); coding-DNA position 52223, A replaced by C.
Protein change: p.Lys17408Thr; replaces lysine 17408 with threonine.
Molecular consequence: missense variant.
Genome position (GRCh38, 1-based): chr2:178,608,788, T>G on the plus strand (A>C on the coding strand, the complement: TTN is on the minus strand). VCF-style: chr2-178608788-T-G. GRCh37 (hg19) VCF-style: chr2-179473515-T-G.
Other names: c.44519A>C, p.Lys14840Thr (NM_133378.4); c.47300A>C, p.Lys15767Thr (NM_001256850.1); c.25028A>C, p.Lys8343Thr (NM_003319.4); c.25403A>C, p.Lys8468Thr (NM_133432.3); c.25604A>C, p.Lys8535Thr (NM_133437.4); short protein forms K14840T, K17408T, K8535T, K15767T, K8343T, K8468T.
Identifiers: ClinVar variation 229455 (VCV000229455.6), dbSNP rs876658066, ClinGen allele CA10576516.

ClinVar aggregate classification (germline): Conflicting classifications of pathogenicity. Review status: criteria provided, conflicting classifications (1 of 4 stars). 2 submissions from 2 submitters: Uncertain significance (1); Likely benign (1). Last evaluated 2025-04-09.

Allele frequency attached by ClinVar (database versions not stated): gnomAD exomes 0.00001 and 0.00002.
gnomAD v4.1: 9 of 1,612,690 alleles (0.00056%); highest among the groups gnomAD compares: Non-Finnish European, 0.00076%; no homozygotes.

Submissions (2):

Molecular Diagnostic Laboratory for Inherited Cardiovascular Disease, Montreal Heart Institute
Classification: Likely benign. Last evaluated: 2025-04-09. Review status: criteria provided, single submitter. Criteria: ACMG Guidelines, 2015. Collection method: clinical testing. Allele origin: germline. Affected: no.

Laboratory for Molecular Medicine, Mass General Brigham Personalized Medicine
Classification: Uncertain significance. Last evaluated: 2015-05-21. Review status: criteria provided, single submitter. Criteria: LMM Criteria. Collection method: clinical testing. Allele origin: germline. Observed: 1 variant allele.
Comment: The p.Lys14840Thr variant in TTN has not been previously reported in individuals with cardiomyopathy or in large population studies. Computational prediction to ols and conservation analysis suggest that the p.Lys14840Thr variant may impact the protein, though this information is not predictive enough to determine patho genicity. In summary, the clinical significance of the p.Lys14840Thr variant is uncertain.